The following is an entry in ClinVar:

NM_021814.5(ELOVL5):c.320T>A (p.Met107Lys)

Gene: ELOVL5 (ELOVL fatty acid elongase 5; minus strand). Cytogenetic location: 6p12.1.
Variant type: single nucleotide variant.
Coding change: c.320T>A on transcript NM_021814.5 (MANE Select); coding-DNA position 320, T replaced by A.
Protein change: p.Met107Lys; replaces methionine 107 with lysine.
Molecular consequence: missense variant.
Genome position (GRCh38, 1-based): chr6:53,276,183, A>T on the plus strand (T>A on the coding strand, the complement: ELOVL5 is on the minus strand). VCF-style: chr6-53276183-A-T. GRCh37 (hg19) VCF-style: chr6-53140981-A-T.
Other names: c.401T>A, p.Met134Lys (NM_001242828.2); c.320T>A, p.Met107Lys (NM_001242830.2, NM_001301856.2); short protein forms M107K, M134K.
Identifiers: ClinVar variation 2861287 (VCV002861287.3), dbSNP rs2533727472, ClinGen allele CA364479068.

ClinVar aggregate classification (germline): Uncertain significance (1 of 4 stars; one submission).

Submission:

Labcorp Genetics (formerly Invitae), Labcorp
Classification: Uncertain significance. Last evaluated: 2023-09-01. Review status: criteria provided, single submitter. Criteria: Invitae Variant Classification Sherloc (09022015). Collection method: clinical testing. Allele origin: germline.
Comment: This sequence change replaces methionine, which is neutral and non-polar, with lysine, which is basic and polar, at codon 107 of the ELOVL5 protein (p.Met107Lys). This variant is not present in population databases (gnomAD no frequency). This variant has not been reported in the literature in individuals affected with ELOVL5-related conditions. Advanced modeling of protein sequence and biophysical properties (such as structural, functional, and spatial information, amino acid conservation, physicochemical variation, residue mobility, and thermodynamic stability) performed at Invitae indicates that this missense variant is not expected to disrupt ELOVL5 protein function. In summary, the available evidence is currently insufficient to determine the role of this variant in disease. Therefore, it has been classified as a Variant of Uncertain Significance.